The following is an entry in ClinVar:

NM_001111125.3(IQSEC2):c.2188T>G (p.Cys730Gly)

Gene: IQSEC2 (IQ motif and Sec7 domain ArfGEF 2; minus strand). Cytogenetic location: Xp11.22.
Variant type: single nucleotide variant.
Coding change: c.2188T>G on transcript NM_001111125.3 (MANE Select); coding-DNA position 2188, T replaced by G.
Protein change: p.Cys730Gly; replaces cysteine 730 with glycine.
Molecular consequence: missense variant.
Genome position (GRCh38, 1-based): chrX:53,250,388, A>C on the plus strand (T>G on the coding strand, the complement: IQSEC2 is on the minus strand). VCF-style: chrX-53250388-A-C. GRCh37 (hg19) VCF-style: chrX-53279570-A-C.
Other names: c.1477T>G, p.Cys493Gly (NM_001441095.1, NM_001441094.1); c.1573T>G, p.Cys525Gly (NM_015075.2); c.2188T>G, p.Cys730Gly (NM_001410736.1, NM_001441092.1); c.1690T>G, p.Cys564Gly (NM_001441093.1); short protein forms C493G, C525G, C564G, C730G.
Identifiers: ClinVar variation 4686221 (VCV004686221.1).

ClinVar aggregate classification (germline): Uncertain significance (1 of 4 stars; one submission).

Submission:

GeneDx
Classification: Uncertain significance. Last evaluated: 2025-07-15. Review status: criteria provided, single submitter. Criteria: GeneDx Variant Classification Process June 2021. Collection method: clinical testing. Allele origin: germline. Affected: yes.
Comment: Not observed at significant frequency in large population cohorts (gnomAD); In silico analysis suggests that this missense variant does not alter protein structure/function; Has not been previously published as pathogenic or benign to our knowledge